The following is an entry in ClinVar:

ClinVar aggregate classification (germline): Uncertain significance (1 of 4 stars; one submission).

gnomAD v4.1: 1 of 1,537,258 alleles (0.000065%); highest among the groups gnomAD compares: Admixed American, 0.002%; no homozygotes.

Submission:

Labcorp Genetics (formerly Invitae), Labcorp
Classification: Uncertain significance. Last evaluated: 2025-08-27. Review status: criteria provided, single submitter. Criteria: Invitae Variant Classification Sherloc (09022015). Collection method: clinical testing. Allele origin: germline.
Comment: This sequence change replaces isoleucine, which is neutral and non-polar, with methionine, which is neutral and non-polar, at codon 1949 of the PIEZO2 protein (p.Ile1949Met). This variant is present in population databases (no rsID available, gnomAD 0.004%). This variant has not been reported in the literature in individuals affected with PIEZO2-related conditions. Invitae Evidence Modeling of protein sequence and biophysical properties (such as structural, functional, and spatial information, amino acid conservation, physicochemical variation, residue mobility, and thermodynamic stability) has been performed for this missense variant. However, the output from this modeling did not meet the statistical confidence thresholds required to predict the impact of this variant on PIEZO2 protein function. In summary, the available evidence is currently insufficient to determine the role of this variant in disease. Therefore, it has been classified as a Variant of Uncertain Significance.

NM_001378183.1(PIEZO2):c.6186C>G (p.Ile2062Met)

Gene: PIEZO2 (piezo type mechanosensitive ion channel component 2; minus strand). Cytogenetic location: 18p11.22.
Variant type: single nucleotide variant.
Coding change: c.6186C>G on transcript NM_001378183.1 (MANE Select); coding-DNA position 6186, C replaced by G.
Protein change: p.Ile2062Met; replaces isoleucine 2062 with methionine.
Molecular consequence: missense variant.
Genome position (GRCh38, 1-based): chr18:10,704,466, G>C on the plus strand (C>G on the coding strand, the complement: PIEZO2 is on the minus strand). VCF-style: chr18-10704466-G-C. GRCh37 (hg19) VCF-style: chr18-10704464-G-C.
Other names: c.5922C>G, p.Ile1974Met (NM_001410871.1); c.5847C>G, p.Ile1949Met (NM_022068.4); short protein forms I2062M, I1949M, I1974M.
Identifiers: ClinVar variation 4777284 (VCV004777284.1).